The following is an entry in ClinVar:

ClinVar aggregate classification (germline): Uncertain significance (1 of 4 stars; one submission).

Submission:

GeneDx
Classification: Uncertain significance. Last evaluated: 2025-10-07. Review status: criteria provided, single submitter. Criteria: GeneDx Variant Classification Process June 2021. Collection method: clinical testing. Allele origin: germline.
Comment: Not observed at significant frequency in large population cohorts (gnomAD); In silico analysis supports that this missense variant has a deleterious effect on protein structure/function; Has not been previously published as pathogenic or benign to our knowledge

NM_021956.5(GRIK2):c.1324C>G (p.Pro442Ala)

Gene: GRIK2 (glutamate ionotropic receptor kainate type subunit 2; plus strand). Cytogenetic location: 6q16.3.
Variant type: single nucleotide variant.
Coding change: c.1324C>G on transcript NM_021956.5 (MANE Select); coding-DNA position 1324, C replaced by G.
Protein change: p.Pro442Ala; replaces proline 442 with alanine.
Molecular consequence: missense variant.
Genome position (GRCh38, 1-based): chr6:101,859,293, C>G. VCF-style: chr6-101859293-C-G. GRCh37 (hg19) VCF-style: chr6-102307168-C-G.
Other names: c.1324C>G, p.Pro442Ala (NM_001166247.1, NM_175768.3); short protein forms P442A.
Identifiers: ClinVar variation 3572777 (VCV003572777.2).